The following is an entry in ClinVar:

ClinVar aggregate classification (germline): Pathogenic. Review status: reviewed by expert panel (3 of 4 stars). 4 submissions from 4 submitters: Pathogenic (1). 3 of the submissions do not count toward it. Last evaluated 2016-10-18.

Conditions:
Hereditary cancer-predisposing syndrome. Also called: Tumor predisposition; Neoplastic Syndromes, Hereditary; Hereditary neoplastic syndrome; Hereditary Cancer Syndrome. Identifiers: Orphanet 140162, MedGen C0027672, MeSH D009386, MONDO:0015356.
Breast-ovarian cancer, familial, susceptibility to, 2 (BROVCA2). Also called: BRCA2 Hereditary Breast and Ovarian Cancer. Identifiers: Orphanet 145, MedGen C2675520, MONDO:0012933, OMIM 612555. Disease mechanism: loss of function.

Submissions (4):

Evidence-based Network for the Interpretation of Germline Mutant Alleles (ENIGMA)
Classification: Pathogenic for Breast-ovarian cancer, familial, susceptibility to, 2. Last evaluated: 2016-10-18. Review status: reviewed by expert panel. Criteria: ENIGMA BRCA1/2 Classification Criteria (2015). Collection method: curation. Allele origin: germline.
Comment: Variant allele predicted to encode a truncated non-functional protein.

Color Diagnostics, LLC DBA Color Health
Classification: Pathogenic for Hereditary cancer-predisposing syndrome. Last evaluated: 2020-01-15. Review status: criteria provided, single submitter. Criteria: ACMG Guidelines, 2015. Collection method: clinical testing. Allele origin: germline. Not counted in ClinVar's aggregate classification.
Comment: This variant deletes 1 nucleotide in exon 10 of the BRCA2 gene, creating a frameshift and premature translation stop signal. This variant is expected to result in an absent or non-functional protein product. This variant has not been identified in the general population by the Genome Aggregation Database (gnomAD). Loss of BRCA2 function is a known mechanism of disease. Based on the available evidence, this variant is classified as Pathogenic.

Genologica Medica
Classification: Pathogenic for Breast-ovarian cancer, familial, susceptibility to, 2. Last evaluated: 2017-01-01. Review status: criteria provided, single submitter. Criteria: ACMG Guidelines, 2015. Collection method: clinical testing. Allele origin: germline. Affected: yes. Not counted in ClinVar's aggregate classification.

Consortium of Investigators of Modifiers of BRCA1/2 (CIMBA), c/o University of Cambridge
Classification: Pathogenic for Breast-ovarian cancer, familial, susceptibility to, 2. Last evaluated: 2015-10-02. Review status: criteria provided, single submitter. Criteria: CIMBA Mutation Classification guidelines May 2016. Collection method: clinical testing. Allele origin: germline. Not counted in ClinVar's aggregate classification.

NM_000059.4(BRCA2):c.1792del (p.Thr598fs)

Gene: BRCA2 (BRCA2 DNA repair associated; plus strand). Cytogenetic location: 13q13.1.
Variant type: Deletion.
Coding change: c.1792del on transcript NM_000059.4 (MANE Select); coding-DNA position 1792, one base deleted (A; older notation c.1792delA).
Protein change: p.Thr598fs; shifts the reading frame from threonine 598.
Molecular consequence: frameshift variant.
Genome position (GRCh38, 1-based): chr13:32,333,270, A deleted; the last of 3 consecutive A bases (chr13:32,333,268-32,333,270); deleting any one gives the same sequence. VCF-style (leftmost placement, unchanged base first): chr13-32333267-GA-G. GRCh37 (hg19) VCF-style: chr13-32907404-GA-G.
Other names: 2020delA; c.1792delA (NM_000059.3).
Identifiers: ClinVar variation 266660 (VCV000266660.11), dbSNP rs886040389, ClinGen allele CA10589119.